The following is an entry in ClinVar:

ClinVar aggregate classification (germline): Benign. Review status: criteria provided, multiple submitters, no conflicts (2 of 4 stars). 6 submissions from 6 submitters: Benign (6). Last evaluated 2026-01-27.

Conditions:
Collagen 6-related myopathy. Identifiers: MedGen CN117976, MONDO:0100225.
Bethlem myopathy 1A. Also called: MYOPATHY, BENIGN CONGENITAL, WITH CONTRACTURES; Bethlem myopathy 1; Bethlem Muscular Dystrophy. Identifiers: Orphanet 610, MedGen CN029274, MONDO:0024530, OMIM 158810.

Allele frequency attached by ClinVar (database versions not stated): gnomAD exomes 0.00046 and 0.00104; ExAC 0.00113; ESP Exome Variant Server 0.00288; 1000 Genomes Project 0.00319; gnomAD 0.00366 and 0.00388; 1000 Genomes Project 30x 0.00375; TOPMed 0.00390.
gnomAD v4.1: 1,261 of 1,613,616 alleles (0.078%); highest among the groups gnomAD compares: African/African-American, 1.2%; 15 homozygotes.

Submissions (6):

Labcorp Genetics (formerly Invitae), Labcorp
Classification: Benign for Bethlem myopathy 1A. Last evaluated: 2026-01-27. Review status: criteria provided, single submitter. Criteria: Invitae Variant Classification Sherloc (09022015). Collection method: clinical testing. Allele origin: germline.

CeGaT Center for Human Genetics Tuebingen
Classification: Benign. Last evaluated: 2025-07-01. Review status: criteria provided, single submitter. Criteria: CeGaT Center For Human Genetics Tuebingen Variant Classification Criteria Version 2. Collection method: clinical testing. Allele origin: germline. Affected: yes. Observed: 1 variant allele.
Comment: COL6A3: BP4, BP7, BS1, BS2

Illumina Laboratory Services, Illumina
Classification: Benign for Collagen VI-related myopathy. Last evaluated: 2018-01-12. Review status: criteria provided, single submitter. Criteria: ICSL Variant Classification Criteria 13 December 2019. Collection method: clinical testing. Allele origin: germline.
Comment: This variant was observed in the ICSL laboratory as part of a predisposition screen in an ostensibly healthy population. It had not been previously curated by ICSL or reported in the Human Gene Mutation Database (HGMD: prior to June 1st, 2018), and was therefore a candidate for classification through an automated scoring system. Utilizing variant allele frequency, disease prevalence and penetrance estimates, and inheritance mode, an automated score was calculated to assess if this variant is too frequent to cause the disease. Based on the score and internal cut-off values, a variant classified as benign is not then subjected to further curation. The score for this variant resulted in a classification of benign for this disease.

GeneDx
Classification: Benign. Last evaluated: 2017-04-17. Review status: criteria provided, single submitter. Criteria: GeneDx Variant Classification (06012015). Collection method: clinical testing. Allele origin: germline. Affected: yes.
Comment: This variant is considered likely benign or benign based on one or more of the following criteria: it is a conservative change, it occurs at a poorly conserved position in the protein, it is predicted to be benign by multiple in silico algorithms, and/or has population frequency not consistent with disease.

Eurofins Ntd Llc (ga)
Classification: Benign. Last evaluated: 2015-01-23. Review status: criteria provided, single submitter. Criteria: EGL Classification Definitions 2015. Collection method: clinical testing. Allele origin: germline. Observed: 1 variant allele, 1 heterozygote.

Breakthrough Genomics
Classification: Benign. Review status: criteria provided, single submitter. Criteria: ACMG Guidelines, 2015. Collection method: not provided. Allele origin: germline. Inheritance: Autosomal recessive inheritance. Affected: yes.

NM_004369.4(COL6A3):c.8745G>A (p.Ala2915=)

Gene: COL6A3 (collagen type VI alpha 3 chain; minus strand). Cytogenetic location: 2q37.3.
Variant type: single nucleotide variant.
Coding change: c.8745G>A on transcript NM_004369.4 (MANE Select); coding-DNA position 8745, G replaced by A.
Protein change: p.Ala2915=; no amino-acid change (alanine 2915 retained).
Molecular consequence: synonymous variant.
Genome position (GRCh38, 1-based): chr2:237,336,355, C>T on the plus strand (G>A on the coding strand, the complement: COL6A3 is on the minus strand). VCF-style: chr2-237336355-C-T. GRCh37 (hg19) VCF-style: chr2-238244998-C-T.
Other names: c.6924G>A, p.Ala2308= (NM_057166.5); c.8127G>A, p.Ala2709= (NM_057167.4).
Identifiers: ClinVar variation 197415 (VCV000197415.32), dbSNP rs112382351, ClinGen allele CA202878.